The following is an entry in ClinVar:

NM_003283.6(TNNT1):c.619T>C (p.Ser207Pro)

Gene: TNNT1 (troponin T1, slow skeletal type; minus strand). Cytogenetic location: 19q13.42.
Variant type: single nucleotide variant.
Coding change: c.619T>C on transcript NM_003283.6 (MANE Select); coding-DNA position 619, T replaced by C.
Protein change: p.Ser207Pro; replaces serine 207 with proline.
Molecular consequence: missense variant. On other transcripts: intron variant (3).
Genome position (GRCh38, 1-based): chr19:55,134,197, A>G on the plus strand (T>C on the coding strand, the complement: TNNT1 is on the minus strand). VCF-style: chr19-55134197-A-G. GRCh37 (hg19) VCF-style: chr19-55645565-A-G.
Other names: p.Ser207Pro; c.619T>C (NM_003283.4); c.579-41T>C (NM_001126133.3, NM_001291774.2); c.612-41T>C (NM_001126132.3); short protein forms S207P.
Identifiers: ClinVar variation 2419825 (VCV002419825.12), dbSNP rs755220612, ClinGen allele CA9667335.
Genomic context (GRCh38, chr19:55,134,197, plus strand): 5'-ACAGCTCCTGGGCTTTCTCCCTGGCAGGGCAGGAGGGCTGTGATGGAGGCAGCCAGGCAG[A>G]CCGGGCCCTAGGCCCAGGGACGGAGAGGAACTTGGGCCCAGAGAGGTTGTGGGAACCACC-3'
Protein context (NP_003274.3, residues 197-217): YMGEEQLRAR[Ser207Pro]AWLPPSQPSC

ClinVar aggregate classification (germline): Uncertain significance. Review status: criteria provided, multiple submitters, no conflicts (2 of 4 stars). 3 submissions from 3 submitters: Uncertain significance (3). Last evaluated 2023-05-22.

Conditions:
Nemaline myopathy 5 (NEM5A). Also called: NEMALINE MYOPATHY, AMISH TYPE; NEMALINE MYOPATHY 5A, AUTOSOMAL RECESSIVE, SEVERE INFANTILE; Nemaline myopathy 5, Amish type. Identifiers: Orphanet 98902, MedGen C1854380, MONDO:0011539, OMIM 605355.

Allele frequency attached by ClinVar (database versions not stated): gnomAD 0.00001; gnomAD exomes 0.00001; ExAC 0.00003.
gnomAD v4.1: 14 of 1,573,032 alleles (0.00089%); highest among the groups gnomAD compares: Non-Finnish European, 0.0012%; no homozygotes.

Submissions (3):

Mayo Clinic Laboratories, Mayo Clinic
Classification: Uncertain significance. Last evaluated: 2023-05-22. Review status: criteria provided, single submitter. Criteria: ACMG Guidelines, 2015. Collection method: clinical testing. Allele origin: germline. Observed: 1 variant allele.
Comment: BP4

Labcorp Genetics (formerly Invitae), Labcorp
Classification: Uncertain significance for Nemaline myopathy 5. Last evaluated: 2022-04-08. Review status: criteria provided, single submitter. Criteria: Invitae Variant Classification Sherloc (09022015). Collection method: clinical testing. Allele origin: germline.
Comment: In summary, the available evidence is currently insufficient to determine the role of this variant in disease. Therefore, it has been classified as a Variant of Uncertain Significance. Algorithms developed to predict the effect of missense changes on protein structure and function output the following: SIFT: "Tolerated"; PolyPhen-2: "Benign"; Align-GVGD: "Class C0". The proline amino acid residue is found in multiple mammalian species, which suggests that this missense change does not adversely affect protein function. This variant has not been reported in the literature in individuals affected with TNNT1-related conditions. This variant is present in population databases (rs755220612, gnomAD 0.003%). This sequence change replaces serine, which is neutral and polar, with proline, which is neutral and non-polar, at codon 207 of the TNNT1 protein (p.Ser207Pro).

Revvity Omics, Revvity
Classification: Uncertain significance. Last evaluated: 2019-03-13. Review status: criteria provided, single submitter. Criteria: ACMG Guidelines, 2015. Collection method: clinical testing. Allele origin: germline.